The following is an entry in ClinVar:

NM_005121.3(MED13):c.3190T>C (p.Ser1064Pro)

Gene: MED13 (mediator complex subunit 13; minus strand). Cytogenetic location: 17q23.2.
Variant type: single nucleotide variant.
Coding change: c.3190T>C on transcript NM_005121.3 (MANE Select); coding-DNA position 3190, T replaced by C.
Protein change: p.Ser1064Pro; replaces serine 1064 with proline.
Molecular consequence: missense variant.
Genome position (GRCh38, 1-based): chr17:61,982,813, A>G on the plus strand (T>C on the coding strand, the complement: MED13 is on the minus strand). VCF-style: chr17-61982813-A-G. GRCh37 (hg19) VCF-style: chr17-60060174-A-G.
Other names: short protein forms S1064P.
Identifiers: ClinVar variation 4998520 (VCV004998520.1).
Genomic context (GRCh38, chr17:61,982,813, plus strand): 5'-AATTCATAACTGATTCTGAAAGGATGAGGTTTACATAAAGACTGTGTGCTTCAGGGATGG[A>G]AGGGACAGTTGCAGGTTCAACAGAATTAAGGGGTCTGCATGTAGATGGGGTAGAAGCTGG-3'
Protein context (NP_005112.2, residues 1054-1074): LNSVEPATVP[Ser1064Pro]IPEAHSLYVN

ClinVar aggregate classification (germline): Uncertain significance (1 of 4 stars; one submission).

Conditions:
MED13-related disorder. Also called: MED13-related condition.

Submission:

PreventionGenetics, part of Exact Sciences
Classification: Uncertain significance for MED13-related condition. Last evaluated: 2026-06-15. Review status: criteria provided, single submitter. Criteria: ACMG Guidelines, 2015. Collection method: clinical testing. Allele origin: germline.
Comment: The MED13 c.3190T>C variant is predicted to result in the amino acid substitution p.Ser1064Pro. To our knowledge, this variant has not been reported in the literature or in a large population database (gnomAD), indicating this variant is rare. At this time, the clinical significance of this variant is uncertain due to the absence of conclusive functional and genetic evidence.